The following is an entry in ClinVar:

ClinVar aggregate classification (germline): Uncertain significance. Review status: criteria provided, multiple submitters, no conflicts (2 of 4 stars). 2 submissions from 2 submitters: Uncertain significance (2). Last evaluated 2022-09-23.

Conditions:
Hypertrophic cardiomyopathy 26. Also called: Cardiomyopathy, familial hypertrophic, 26. Identifiers: Orphanet 75249, MedGen C4310749, MONDO:0014883, OMIM 617047.
Myofibrillar myopathy 5. Also called: FILAMINOPATHY, AUTOSOMAL DOMINANT; Filaminopathy (type). Identifiers: Orphanet 171445, MedGen C1836050, MONDO:0012289, OMIM 609524.
Distal myopathy with posterior leg and anterior hand involvement. Also called: WILLIAMS DISTAL MYOPATHY. Identifiers: Orphanet 63273, MedGen C3279722, MONDO:0013550, OMIM 614065.

Submissions (2):

Labcorp Genetics (formerly Invitae), Labcorp
Classification: Uncertain significance for Distal myopathy with posterior leg and anterior hand involvement; Myofibrillar myopathy 5; Hypertrophic cardiomyopathy 26. Last evaluated: 2022-09-23. Review status: criteria provided, single submitter. Criteria: Invitae Variant Classification Sherloc (09022015). Collection method: clinical testing. Allele origin: germline.
Comment: This sequence change replaces glycine, which is neutral and non-polar, with alanine, which is neutral and non-polar, at codon 1712 of the FLNC protein (p.Gly1712Ala). This variant is not present in population databases (gnomAD no frequency). This variant has not been reported in the literature in individuals affected with FLNC-related conditions. ClinVar contains an entry for this variant (Variation ID: 1311904). Advanced modeling of protein sequence and biophysical properties (such as structural, functional, and spatial information, amino acid conservation, physicochemical variation, residue mobility, and thermodynamic stability) has been performed at Invitae for this missense variant, however the output from this modeling did not meet the statistical confidence thresholds required to predict the impact of this variant on FLNC protein function. In summary, the available evidence is currently insufficient to determine the role of this variant in disease. Therefore, it has been classified as a Variant of Uncertain Significance.

GeneDx
Classification: Uncertain significance. Last evaluated: 2020-01-13. Review status: criteria provided, single submitter. Criteria: GeneDx Variant Classification Process June 2021. Collection method: clinical testing. Allele origin: germline. Affected: yes.
Comment: Has not been previously published as pathogenic or benign to our knowledge; Not observed in large population cohorts (Lek et al., 2016); In silico analysis, which includes protein predictors and evolutionary conservation, supports a deleterious effect

NM_001458.5(FLNC):c.5135G>C (p.Gly1712Ala)

Gene: FLNC (filamin C; plus strand). Cytogenetic location: 7q32.1.
Variant type: single nucleotide variant.
Coding change: c.5135G>C on transcript NM_001458.5 (MANE Select); coding-DNA position 5135, G replaced by C.
Protein change: p.Gly1712Ala; replaces glycine 1712 with alanine.
Molecular consequence: missense variant.
Genome position (GRCh38, 1-based): chr7:128,849,514, G>C. VCF-style: chr7-128849514-G-C. GRCh37 (hg19) VCF-style: chr7-128489568-G-C.
Other names: c.5135G>C, p.Gly1712Ala (NM_001127487.2); short protein forms G1712A.
Identifiers: ClinVar variation 1311904 (VCV001311904.7), dbSNP rs2128937832, ClinGen allele CA369204257.
Genomic context (GRCh38, chr7:128,849,514, plus strand): 5'-TGGATGTGGTTGAGAACCATGACGGTACCTTTGACATCTACTACACAGCGCCCGAGCCGG[G>C]CAAGTACGTCATCACCATCCGCTTCGGGGGTGAGCACATCCCCAACAGCCCCTTCCACGT-3'
Protein context (NP_001449.3, residues 1702-1722): FDIYYTAPEP[Gly1712Ala]KYVITIRFGG